The following is an entry in ClinVar:

ClinVar aggregate classification (germline): Uncertain significance (1 of 4 stars; one submission).

gnomAD v4.1: 6 of 1,530,830 alleles (0.00039%); highest among the groups gnomAD compares: Non-Finnish European, 0.00052%; no homozygotes.

Submission:

Labcorp Genetics (formerly Invitae), Labcorp
Classification: Uncertain significance. Last evaluated: 2024-08-09. Review status: criteria provided, single submitter. Criteria: Invitae Variant Classification Sherloc (09022015). Collection method: clinical testing. Allele origin: germline.
Comment: This sequence change replaces proline, which is neutral and non-polar, with glutamine, which is neutral and polar, at codon 2507 of the SPEG protein (p.Pro2507Gln). The frequency data for this variant in the population databases is considered unreliable, as metrics indicate poor data quality at this position in the gnomAD database. This variant has not been reported in the literature in individuals affected with SPEG-related conditions. An algorithm developed to predict the effect of missense changes on protein structure and function (PolyPhen-2) suggests that this variant is likely to be tolerated. In summary, the available evidence is currently insufficient to determine the role of this variant in disease. Therefore, it has been classified as a Variant of Uncertain Significance.

NM_005876.5(SPEG):c.7520C>A (p.Pro2507Gln)

Genes: ASIC4-AS1 (ASIC4 antisense RNA 1; minus strand), SPEG (striated muscle enriched protein kinase; plus strand). Cytogenetic location: 2q35.
Variant type: single nucleotide variant.
Coding change: c.7520C>A on transcript NM_005876.5 (MANE Select); coding-DNA position 7520, C replaced by A.
Protein change: p.Pro2507Gln; replaces proline 2507 with glutamine.
Molecular consequence: missense variant.
Genome position (GRCh38, 1-based): chr2:219,484,983, C>A. VCF-style: chr2-219484983-C-A. GRCh37 (hg19) VCF-style: chr2-220349705-C-A.
Other names: short protein forms P2507Q.
Identifiers: ClinVar variation 3616494 (VCV003616494.2).